The following is an entry in ClinVar:

ClinVar aggregate classification (germline): Uncertain significance (1 of 4 stars; one submission).

Conditions:
Cryopyrin associated periodic syndrome (CAPS). Identifiers: Orphanet 208650, MedGen C2316212, MONDO:0016168.

Submission:

Labcorp Genetics (formerly Invitae), Labcorp
Classification: Uncertain significance for Cryopyrin associated periodic syndrome. Last evaluated: 2026-01-19. Review status: criteria provided, single submitter. Criteria: Invitae Variant Classification Sherloc (09022015). Collection method: clinical testing. Allele origin: germline.
Comment: This sequence change replaces serine, which is neutral and polar, with arginine, which is basic and polar, at codon 723 of the NLRP3 protein (p.Ser723Arg). This variant is not present in population databases (gnomAD no frequency). This variant has not been reported in the literature in individuals affected with NLRP3-related conditions. ClinVar contains an entry for this variant (Variation ID: 3674640). Invitae Evidence Modeling of protein sequence and biophysical properties (such as structural, functional, and spatial information, amino acid conservation, physicochemical variation, residue mobility, and thermodynamic stability) indicates that this missense variant is not expected to disrupt NLRP3 protein function with a negative predictive value of 95%. In summary, the available evidence is currently insufficient to determine the role of this variant in disease. Therefore, it has been classified as a Variant of Uncertain Significance.

NM_001243133.2(NLRP3):c.2163C>A (p.Ser721Arg)

Gene: NLRP3 (NLR family pyrin domain containing 3; plus strand). Cytogenetic location: 1q44.
Variant type: single nucleotide variant.
Coding change: c.2163C>A on transcript NM_001243133.2 (MANE Select); coding-DNA position 2163, C replaced by A.
Protein change: p.Ser721Arg; replaces serine 721 with arginine.
Molecular consequence: missense variant. On other transcripts: intron variant (2).
Genome position (GRCh38, 1-based): chr1:247,429,597, C>A. VCF-style: chr1-247429597-C-A. GRCh37 (hg19) VCF-style: chr1-247592899-C-A.
Other names: c.2163C>A, p.Ser721Arg (NM_001079821.3, NM_001127461.3); c.2169C>A, p.Ser723Arg (NM_004895.5); c.2150+3998C>A (NM_001127462.3, NM_183395.3); short protein forms S721R, S723R.
Identifiers: ClinVar variation 3674640 (VCV003674640.2).